The following is an entry in ClinVar:

NM_001009944.3(PKD1):c.4241G>A (p.Trp1414Ter)

Gene: PKD1 (polycystin 1, transient receptor potential channel interacting; minus strand). Cytogenetic location: 16p13.3.
Variant type: single nucleotide variant.
Coding change: c.4241G>A on transcript NM_001009944.3 (MANE Select); coding-DNA position 4241, G replaced by A.
Protein change: p.Trp1414Ter; replaces tryptophan 1414 with a stop codon.
Molecular consequence: nonsense.
Genome position (GRCh38, 1-based): chr16:2,110,926, C>T on the plus strand (G>A on the coding strand, the complement: PKD1 is on the minus strand). VCF-style: chr16-2110926-C-T. GRCh37 (hg19) VCF-style: chr16-2160927-C-T.
Other names: c.4241G>A, p.Trp1414Ter (NM_000296.4); short protein forms W1414*.
Identifiers: ClinVar variation 4856102 (VCV004856102.1).

ClinVar aggregate classification (germline): Likely pathogenic (1 of 4 stars; one submission).

Conditions:
Polycystic kidney disease, adult type (PKD1). Also called: Polycystic Kidney Disease 1, Autosomal Dominant; Polycystic kidney disease 1; Polycystic kidney disease 1, severe; POLYCYSTIC KIDNEY DISEASE 1 WITH OR WITHOUT POLYCYSTIC LIVER DISEASE; POLYCYSTIC KIDNEY DISEASE, ADULT, TYPE I; Polycystic Kidney, Autosomal Dominant. Identifiers: MedGen C3149841, MONDO:0008263, OMIM 173900.

Submission:

3billion
Classification: Likely pathogenic for Polycystic kidney disease, adult type. Last evaluated: 2025-08-18. Review status: criteria provided, single submitter. Criteria: ACMG Guidelines, 2015. Collection method: clinical testing. Allele origin: germline. Affected: yes.
Comment: The variant is not observed in the gnomAD v4.1.0 dataset. Predicted Consequence/Location: Stop-gained (nonsense): predicted to result in a loss or disruption of normal protein function through nonsense-mediated decay (NMD) or protein truncation. Multiple pathogenic variants are reported downstream of the variant. Therefore, this variant is classified as Likely pathogenic according to the recommendation of ACMG/AMP guideline.